The following is an entry in ClinVar:

ClinVar aggregate classification (germline): Uncertain significance (1 of 4 stars; one submission).

Conditions:
Immunodeficiency, common variable, 10. Also called: DEFICIT IN ANTERIOR PITUITARY FUNCTION AND VARIABLE IMMUNODEFICIENCY; IMMUNODEFICIENCY, COMMON VARIABLE, WITH CENTRAL ADRENAL INSUFFICIENCY. Identifiers: MedGen C3809991, MONDO:0014260, OMIM 615577.

Allele frequency attached by ClinVar (database versions not stated): TOPMed below 0.00001.
gnomAD v4.1: 2 of 1,553,632 alleles (0.00013%); no homozygotes.

Submission:

Labcorp Genetics (formerly Invitae), Labcorp
Classification: Uncertain significance for Immunodeficiency, common variable, 10. Last evaluated: 2025-07-31. Review status: criteria provided, single submitter. Criteria: Invitae Variant Classification Sherloc (09022015). Collection method: clinical testing. Allele origin: germline.
Comment: This sequence change replaces valine, which is neutral and non-polar, with leucine, which is neutral and non-polar, at codon 862 of the NFKB2 protein (p.Val862Leu). This variant is not present in population databases (gnomAD no frequency). This variant has not been reported in the literature in individuals affected with NFKB2-related conditions. ClinVar contains an entry for this variant (Variation ID: 3016851). An algorithm developed to predict the effect of missense changes on protein structure and function (PolyPhen-2) suggests that this variant is likely to be tolerated. In summary, the available evidence is currently insufficient to determine the role of this variant in disease. Therefore, it has been classified as a Variant of Uncertain Significance.

NM_001322934.2(NFKB2):c.2584G>C (p.Val862Leu)

Gene: NFKB2 (nuclear factor kappa B subunit 2; plus strand). Cytogenetic location: 10q24.32.
Variant type: single nucleotide variant.
Coding change: c.2584G>C on transcript NM_001322934.2 (MANE Select); coding-DNA position 2584, G replaced by C.
Protein change: p.Val862Leu; replaces valine 862 with leucine.
Molecular consequence: missense variant.
Genome position (GRCh38, 1-based): chr10:102,402,257, G>C. VCF-style: chr10-102402257-G-C. GRCh37 (hg19) VCF-style: chr10-104162014-G-C.
Other names: c.2581G>C, p.Val861Leu (NM_001077493.1, NM_001261403.3, NM_001288724.1 and 1 more transcripts); c.2584G>C, p.Val862Leu (NM_001077494.3); c.2458G>C, p.Val820Leu (NM_001322935.1); short protein forms V820L, V862L, V861L.
Identifiers: ClinVar variation 3016851 (VCV003016851.3), dbSNP rs1208172663, ClinGen allele CA377906299.
Genomic context (GRCh38, chr10:102,402,257, plus strand): 5'-AGGGCCGGAGGCCTGAGGCTTTGACTATCCCATTCCTGTCCCCATTTACCCCCAGCAGAG[G>C]TGAAGGAAGACAGTGCGTACGGGAGCCAGTCAGTGGAGCAGGAGGCAGAGAAGCTGGGCC-3'
Protein context (NP_001309863.1, residues 852-872): TRDKLPSTAE[Val862Leu]KEDSAYGSQS